The following is an entry in ClinVar:

ClinVar aggregate classification (germline): Uncertain significance (1 of 4 stars; one submission).

gnomAD v4.1: 4 of 1,610,180 alleles (0.00025%); highest among the groups gnomAD compares: Non-Finnish European, 0.00034%; no homozygotes.

Submission:

Labcorp Genetics (formerly Invitae), Labcorp
Classification: Uncertain significance. Last evaluated: 2022-04-30. Review status: criteria provided, single submitter. Criteria: Invitae Variant Classification Sherloc (09022015). Collection method: clinical testing. Allele origin: germline.
Comment: This sequence change falls in intron 32 of the PCDH15 gene. It does not directly change the encoded amino acid sequence of the PCDH15 protein. It affects a nucleotide within the consensus splice site. This variant is not present in population databases (gnomAD no frequency). This variant has not been reported in the literature in individuals affected with PCDH15-related conditions. Variants that disrupt the consensus splice site are a relatively common cause of aberrant splicing (PMID: 17576681, 9536098). Algorithms developed to predict the effect of sequence changes on RNA splicing suggest that this variant may disrupt the consensus splice site. In summary, the available evidence is currently insufficient to determine the role of this variant in disease. Therefore, it has been classified as a Variant of Uncertain Significance.

Literature cited by the submitters: PubMed 17576681; PubMed 9536098.

NM_001384140.1(PCDH15):c.4367+6T>C

Gene: PCDH15 (protocadherin related 15; minus strand). Cytogenetic location: 10q21.1.
Variant type: single nucleotide variant.
Coding change: c.4367+6T>C on transcript NM_001384140.1 (MANE Select); 6 bases into the intron after coding-DNA position 4367, T replaced by C.
Molecular consequence: intron variant.
Genome position (GRCh38, 1-based): chr10:53,827,387, A>G on the plus strand (T>C on the coding strand, the complement: PCDH15 is on the minus strand). VCF-style: chr10-53827387-A-G. GRCh37 (hg19) VCF-style: chr10-55587147-A-G.
Other names: c.4367+6T>C (NM_001354420.2, NM_001354429.2, NM_001142772.2 and 3 more transcripts); c.4382+6T>C (NM_001142771.2, NM_001142763.2); c.4388+6T>C (NM_001354411.2); c.4403+6T>C (NM_001142769.3); c.4301+6T>C (NM_001354404.2, NM_001142768.2); c.4292+6T>C (NM_001142773.2); c.4247+6T>C (NM_001142767.2); c.4154+6T>C (NM_001142765.2); and 1 more.
Identifiers: ClinVar variation 2109295 (VCV002109295.1), dbSNP rs2492546025, ClinGen allele CA2574549949.
Genomic context (GRCh38, chr10:53,827,387, plus strand): 5'-AATACTCACCACACAGAATTCAGTAAAACCCAACTACTTCTCAGAGTTCCTGAACGGTCT[A>G]CTTACATTGAGCTGTCTCCAAGTTCTTCATAGAGATGCGCACCTGGCGGAGGCGGCGGCG-3'